The following is an entry in ClinVar:

ClinVar aggregate classification (germline): Benign/Likely benign. Review status: criteria provided, multiple submitters, no conflicts (2 of 4 stars). 5 submissions from 4 submitters: Benign (3); Likely benign (2). Last evaluated 2025-12-08.

Conditions:
Autosomal recessive Robinow syndrome (RRS1). Also called: COSTOVERTEBRAL SEGMENTATION DEFECT WITH MESOMELIA; COVESDEM SYNDROME; ROR2-Related Robinow Syndrome; ROBINOW SYNDROME, AUTOSOMAL RECESSIVE 1. Identifiers: Orphanet 1507, Orphanet 97360, MedGen C5399974, MONDO:0009999, OMIM 268310.
Brachydactyly type B1 (BDB1). Identifiers: Orphanet 572385, Orphanet 93383, MedGen C1862112, MONDO:0007220, OMIM 113000.

Allele frequency attached by ClinVar (database versions not stated): gnomAD 0.00011 and 0.00042; ESP Exome Variant Server 0.00015; TOPMed 0.00015; gnomAD exomes 0.00072 and 0.00135; 1000 Genomes Project 0.00180; 1000 Genomes Project 30x 0.00203.
gnomAD v4.1: 1,108 of 1,612,174 alleles (0.069%); highest among the groups gnomAD compares: South Asian, 1%; 17 homozygotes.

Submissions (5):

Labcorp Genetics (formerly Invitae), Labcorp
Classification: Benign. Last evaluated: 2025-12-08. Review status: criteria provided, single submitter. Criteria: Invitae Variant Classification Sherloc (09022015). Collection method: clinical testing. Allele origin: germline.

CeGaT Center for Human Genetics Tuebingen
Classification: Likely benign. Last evaluated: 2022-12-01. Review status: criteria provided, single submitter. Criteria: CeGaT Center For Human Genetics Tuebingen Variant Classification Criteria Version 2. Collection method: clinical testing. Allele origin: germline. Affected: yes. Observed: 1 variant allele.
Comment: ROR2: BP4, BP7, BS2

Illumina Laboratory Services, Illumina
Classification: Benign for Brachydactyly type B1. Last evaluated: 2018-01-13. Review status: criteria provided, single submitter. Criteria: ICSL Variant Classification Criteria 13 December 2019. Collection method: clinical testing. Allele origin: germline.
Comment: This variant was observed in the ICSL laboratory as part of a predisposition screen in an ostensibly healthy population. It had not been previously curated by ICSL or reported in the Human Gene Mutation Database (HGMD: prior to June 1st, 2018), and was therefore a candidate for classification through an automated scoring system. Utilizing variant allele frequency, disease prevalence and penetrance estimates, and inheritance mode, an automated score was calculated to assess if this variant is too frequent to cause the disease. Based on the score and internal cut-off values, a variant classified as benign is not then subjected to further curation. The score for this variant resulted in a classification of benign for this disease.

Illumina Laboratory Services, Illumina
Classification: Likely benign for Autosomal recessive Robinow syndrome. Last evaluated: 2018-01-13. Review status: criteria provided, single submitter. Criteria: ICSL Variant Classification Criteria 13 December 2019. Collection method: clinical testing. Allele origin: germline.
Comment: This variant was observed in the ICSL laboratory as part of a predisposition screen in an ostensibly healthy population. It had not been previously curated by ICSL or reported in the Human Gene Mutation Database (HGMD: prior to June 1st, 2018), and was therefore a candidate for classification through an automated scoring system. Utilizing variant allele frequency, disease prevalence and penetrance estimates, and inheritance mode, an automated score was calculated to assess if this variant is too frequent to cause the disease. Based on the score and internal cut-off values, a variant classified as likely benign is not then subjected to further curation. The score for this variant resulted in a classification of likely benign for this disease.

Eurofins Ntd Llc (ga)
Classification: Benign. Last evaluated: 2016-08-30. Review status: criteria provided, single submitter. Criteria: EGL Classification Definitions 2015. Collection method: clinical testing. Allele origin: germline. Observed: 1 variant allele, 1 heterozygote.

NM_004560.4(ROR2):c.2466C>T (p.Asn822=)

Gene: ROR2 (ROR family WNT receptor 2; minus strand). Cytogenetic location: 9q22.31.
Variant type: single nucleotide variant.
Coding change: c.2466C>T on transcript NM_004560.4 (MANE Select); coding-DNA position 2466, C replaced by T.
Protein change: p.Asn822=; no amino-acid change (asparagine 822 retained).
Molecular consequence: synonymous variant.
Genome position (GRCh38, 1-based): chr9:91,724,028, G>A on the plus strand (C>T on the coding strand, the complement: ROR2 is on the minus strand). VCF-style: chr9-91724028-G-A. GRCh37 (hg19) VCF-style: chr9-94486310-G-A.
Identifiers: ClinVar variation 289430 (VCV000289430.42), dbSNP rs146432734, ClinGen allele CA5120387.